The following is an entry in ClinVar:

ClinVar aggregate classification (germline): Uncertain significance. Review status: criteria provided, multiple submitters, no conflicts (2 of 4 stars). 2 submissions from 2 submitters: Uncertain significance (2). Last evaluated 2025-05-05.

gnomAD v4.1: 21 of 1,613,422 alleles (0.0013%); highest among the groups gnomAD compares: East Asian, 0.0045%; no homozygotes.

Submissions (2):

Labcorp Genetics (formerly Invitae), Labcorp
Classification: Uncertain significance. Last evaluated: 2025-05-05. Review status: criteria provided, single submitter. Criteria: Invitae Variant Classification Sherloc (09022015). Collection method: clinical testing. Allele origin: germline.
Comment: This sequence change replaces glutamic acid, which is acidic and polar, with lysine, which is basic and polar, at codon 1822 of the SPTB protein (p.Glu1822Lys). This variant is present in population databases (rs763716590, gnomAD 0.01%). This variant has not been reported in the literature in individuals affected with SPTB-related conditions. ClinVar contains an entry for this variant (Variation ID: 3704200). An algorithm developed to predict the effect of missense changes on protein structure and function (PolyPhen-2) suggests that this variant is likely to be tolerated. In summary, the available evidence is currently insufficient to determine the role of this variant in disease. Therefore, it has been classified as a Variant of Uncertain Significance.

Revvity Omics, Revvity
Classification: Uncertain significance. Last evaluated: 2024-10-10. Review status: criteria provided, single submitter. Criteria: ACMG Guidelines, 2015. Collection method: clinical testing. Allele origin: germline.

NM_001355436.2(SPTB):c.5464G>A (p.Glu1822Lys)

Gene: SPTB (spectrin beta, erythrocytic; minus strand). Cytogenetic location: 14q23.3.
Variant type: single nucleotide variant.
Coding change: c.5464G>A on transcript NM_001355436.2 (MANE Select); coding-DNA position 5464, G replaced by A.
Protein change: p.Glu1822Lys; replaces glutamic acid 1822 with lysine.
Molecular consequence: missense variant.
Genome position (GRCh38, 1-based): chr14:64,772,669, C>T on the plus strand (G>A on the coding strand, the complement: SPTB is on the minus strand). VCF-style: chr14-64772669-C-T. GRCh37 (hg19) VCF-style: chr14-65239387-C-T.
Other names: c.5464G>A, p.Glu1822Lys (NM_001024858.4, NM_001355437.2); short protein forms E1822K.
Identifiers: ClinVar variation 3704200 (VCV003704200.3).